The following is an entry in ClinVar:

NM_001042492.3(NF1):c.1094C>T (p.Ser365Leu)

Gene: NF1 (neurofibromin 1; plus strand). Cytogenetic location: 17q11.2.
Variant type: single nucleotide variant.
Coding change: c.1094C>T on transcript NM_001042492.3 (MANE Select); coding-DNA position 1094, C replaced by T.
Protein change: p.Ser365Leu; replaces serine 365 with leucine.
Molecular consequence: missense variant.
Genome position (GRCh38, 1-based): chr17:31,201,068, C>T. VCF-style: chr17-31201068-C-T. GRCh37 (hg19) VCF-style: chr17-29528086-C-T.
Other names: c.1094C>T, p.Ser365Leu (NM_000267.4, NM_001128147.3); short protein forms S365L.
Identifiers: ClinVar variation 1790166 (VCV001790166.7), dbSNP rs864622107, ClinGen allele CA398996823.

ClinVar aggregate classification (germline): Conflicting classifications of pathogenicity. Review status: criteria provided, conflicting classifications (1 of 4 stars). 3 submissions from 3 submitters: Uncertain significance (2); Likely benign (1). Last evaluated 2026-06-16.

Conditions:
Cardiovascular phenotype. Identifiers: MedGen CN230736.
Hereditary cancer-predisposing syndrome. Also called: Hereditary Cancer Syndrome; Hereditary neoplastic syndrome; Neoplastic Syndromes, Hereditary; Tumor predisposition. Identifiers: Orphanet 140162, MedGen C0027672, MeSH D009386, MONDO:0015356.
Neurofibromatosis, type 1 (NF1). Also called: VON RECKLINGHAUSEN DISEASE; Peripheral type neurofibromatosis; Neurofibromatosis, type I; NEUROFIBROMATOSIS, TYPE I, SOMATIC. Identifiers: Orphanet 636, MedGen C0027831, MONDO:0018975, OMIM 162200. Disease mechanism: loss of function.

Submissions (3):

Ambry Genetics
Classification: Likely benign for Cardiovascular phenotype; Hereditary cancer-predisposing syndrome. Last evaluated: 2026-06-16. Review status: criteria provided, single submitter. Criteria: Ambry Variant Classification Scheme 2023. Collection method: clinical testing. Allele origin: germline.

Greenwood Genetic Center Diagnostic Laboratories, Greenwood Genetic Center
Classification: Uncertain significance. Last evaluated: 2025-11-18. Review status: criteria provided, single submitter. Criteria: ACMG Guidelines, 2015. Collection method: clinical testing. Allele origin: germline. Affected: yes.
Comment: PM2, PP2

Labcorp Genetics (formerly Invitae), Labcorp
Classification: Uncertain significance for Neurofibromatosis, type 1. Last evaluated: 2023-05-16. Review status: criteria provided, single submitter. Criteria: Invitae Variant Classification Sherloc (09022015). Collection method: clinical testing. Allele origin: germline.
Comment: Advanced modeling of protein sequence and biophysical properties (such as structural, functional, and spatial information, amino acid conservation, physicochemical variation, residue mobility, and thermodynamic stability) performed at Invitae indicates that this missense variant is not expected to disrupt NF1 protein function. In summary, the available evidence is currently insufficient to determine the role of this variant in disease. Therefore, it has been classified as a Variant of Uncertain Significance. ClinVar contains an entry for this variant (Variation ID: 1790166). This variant has not been reported in the literature in individuals affected with NF1-related conditions. This variant is not present in population databases (gnomAD no frequency). This sequence change replaces serine, which is neutral and polar, with leucine, which is neutral and non-polar, at codon 365 of the NF1 protein (p.Ser365Leu).